The following is an entry in ClinVar:

ClinVar aggregate classification (germline): Uncertain significance. Review status: criteria provided, multiple submitters, no conflicts (2 of 4 stars). 2 submissions from 2 submitters: Uncertain significance (2). Last evaluated 2024-05-15.

Conditions:
Cardiovascular phenotype. Identifiers: MedGen CN230736.
Progressive familial heart block type IB (PFHB1B). Identifiers: Orphanet 871, MedGen C1970298, MONDO:0011474, OMIM 604559.

Allele frequency attached by ClinVar (database versions not stated): gnomAD exomes below 0.00001; TOPMed below 0.00001; gnomAD 0.00001.
gnomAD v4.1: 6 of 1,613,418 alleles (0.00037%); highest among the groups gnomAD compares: African/African-American, 0.008%; no homozygotes.

Submissions (2):

Labcorp Genetics (formerly Invitae), Labcorp
Classification: Uncertain significance for Progressive familial heart block type IB. Last evaluated: 2024-05-15. Review status: criteria provided, single submitter. Criteria: Invitae Variant Classification Sherloc (09022015). Collection method: clinical testing. Allele origin: germline.
Comment: This sequence change replaces alanine, which is neutral and non-polar, with threonine, which is neutral and polar, at codon 380 of the TRPM4 protein (p.Ala380Thr). This variant is present in population databases (no rsID available, gnomAD 0.01%). This variant has not been reported in the literature in individuals affected with TRPM4-related conditions. ClinVar contains an entry for this variant (Variation ID: 864184). An algorithm developed to predict the effect of missense changes on protein structure and function (PolyPhen-2) suggests that this variant is likely to be disruptive. In summary, the available evidence is currently insufficient to determine the role of this variant in disease. Therefore, it has been classified as a Variant of Uncertain Significance.

Ambry Genetics
Classification: Uncertain significance for Cardiovascular phenotype. Last evaluated: 2021-08-16. Review status: criteria provided, single submitter. Criteria: Ambry Variant Classification Scheme 2023. Collection method: clinical testing. Allele origin: germline.
Comment: The p.A380T variant (also known as c.1138G>A), located in coding exon 9 of the TRPM4 gene, results from a G to A substitution at nucleotide position 1138. The alanine at codon 380 is replaced by threonine, an amino acid with similar properties. This amino acid position is conserved. In addition, the in silico prediction for this alteration is inconclusive. Since supporting evidence is limited at this time, the clinical significance of this alteration remains unclear.

NM_017636.4(TRPM4):c.1138G>A (p.Ala380Thr)

Gene: TRPM4 (transient receptor potential cation channel subfamily M member 4; plus strand). Cytogenetic location: 19q13.33.
Variant type: single nucleotide variant.
Coding change: c.1138G>A on transcript NM_017636.4 (MANE Select); coding-DNA position 1138, G replaced by A.
Protein change: p.Ala380Thr; replaces alanine 380 with threonine.
Molecular consequence: missense variant. On other transcripts: 5 prime UTR variant (1), intron variant (1).
Genome position (GRCh38, 1-based): chr19:49,172,096, G>A. VCF-style: chr19-49172096-G-A. GRCh37 (hg19) VCF-style: chr19-49675353-G-A.
Other names: c.1138G>A, p.Ala380Thr (NM_001195227.2); c.793G>A, p.Ala265Thr (NM_001321281.2); c.-416G>A (NM_001321282.2); c.616G>A, p.Ala206Thr (NM_001321283.2); c.201+327G>A (NM_001321285.2); short protein forms A206T, A265T, A380T.
Identifiers: ClinVar variation 864184 (VCV000864184.11), dbSNP rs1322849120, ClinGen allele CA406795717.